The following is an entry in ClinVar:

ClinVar aggregate classification (germline): Uncertain significance. Review status: criteria provided, multiple submitters, no conflicts (2 of 4 stars). 2 submissions from 2 submitters: Uncertain significance (2). Last evaluated 2026-04-22.

Allele frequency attached by ClinVar (database versions not stated): gnomAD 0.00001; TOPMed 0.00001.
gnomAD v4.1: 2 of 1,209,292 alleles (0.00017%); highest among the groups gnomAD compares: African/African-American, 0.0035%; no homozygotes.

Submissions (2):

Women's Health and Genetics/Laboratory Corporation of America, LabCorp
Classification: Uncertain significance. Last evaluated: 2026-04-22. Review status: criteria provided, single submitter. Criteria: LabCorp Variant Classification Summary - May 2015. Collection method: clinical testing. Allele origin: germline.
Comment: Variant summary: CLCN4 c.1324A>G (p.Met442Val) results in a conservative amino acid change in the encoded protein sequence. Algorithms developed to predict the effect of missense changes on protein structure and function are either unavailable or do not agree on the potential impact of this missense change. The variant was absent in 182440 control chromosomes. The available data on variant occurrences in the general population are insufficient to allow any conclusion about variant significance. To our knowledge, no occurrence of c.1324A>G in individuals affected with CLCN4-related conditions and no experimental evidence demonstrating its impact on protein function have been reported. ClinVar contains an entry for this variant (Variation ID: 2072068). Based on the evidence outlined above, the variant was classified as uncertain significance.

Labcorp Genetics (formerly Invitae), Labcorp
Classification: Uncertain significance. Last evaluated: 2022-01-15. Review status: criteria provided, single submitter. Criteria: Invitae Variant Classification Sherloc (09022015). Collection method: clinical testing. Allele origin: germline.
Comment: In summary, the available evidence is currently insufficient to determine the role of this variant in disease. Therefore, it has been classified as a Variant of Uncertain Significance. Algorithms developed to predict the effect of missense changes on protein structure and function (SIFT, PolyPhen-2, Align-GVGD) all suggest that this variant is likely to be tolerated. This variant has not been reported in the literature in individuals affected with CLCN4-related conditions. This variant is not present in population databases (gnomAD no frequency). This sequence change replaces methionine, which is neutral and non-polar, with valine, which is neutral and non-polar, at codon 442 of the CLCN4 protein (p.Met442Val).

NM_001830.4(CLCN4):c.1324A>G (p.Met442Val)

Gene: CLCN4 (Cl-/H+ antiporter 4; plus strand). Cytogenetic location: Xp22.2.
Variant type: single nucleotide variant.
Coding change: c.1324A>G on transcript NM_001830.4 (MANE Select); coding-DNA position 1324, A replaced by G.
Protein change: p.Met442Val; replaces methionine 442 with valine.
Molecular consequence: missense variant.
Genome position (GRCh38, 1-based): chrX:10,208,525, A>G. VCF-style: chrX-10208525-A-G. GRCh37 (hg19) VCF-style: chrX-10176565-A-G.
Other names: c.1042A>G, p.Met348Val (NM_001256944.2); short protein forms M442V, M348V.
Identifiers: ClinVar variation 2072068 (VCV002072068.5), dbSNP rs1569230576, ClinGen allele CA412038586.